The following is an entry in ClinVar:

NM_024649.5(BBS1):c.669C>T (p.Thr223=)

Gene: BBS1 (Bardet-Biedl syndrome 1; plus strand). Cytogenetic location: 11q13.2.
Variant type: single nucleotide variant.
Coding change: c.669C>T on transcript NM_024649.5 (MANE Select); coding-DNA position 669, C replaced by T.
Protein change: p.Thr223=; no amino-acid change (threonine 223 retained).
Molecular consequence: synonymous variant.
Genome position (GRCh38, 1-based): chr11:66,519,694, C>T. VCF-style: chr11-66519694-C-T. GRCh37 (hg19) VCF-style: chr11-66287165-C-T.
Other names: c.669C>T (NM_024649.4).
Identifiers: ClinVar variation 1134346 (VCV001134346.11), dbSNP rs375121390, ClinGen allele CA6123441.

ClinVar aggregate classification (germline): Likely benign. Review status: criteria provided, single submitter (1 of 4 stars). 2 submissions from 2 submitters: Likely benign (1). 1 of the submissions does not count toward it. Last evaluated 2025-12-22.

Conditions:
BBS1-related disorder. Also called: BBS1-related condition.
Bardet-Biedl syndrome (BBS). Identifiers: Orphanet 110, MedGen C0752166, MONDO:0015229.

Allele frequency attached by ClinVar (database versions not stated): ExAC 0.00004; gnomAD exomes 0.00004 and 0.00012; gnomAD 0.00006; TOPMed 0.00007; ESP Exome Variant Server 0.00008.
gnomAD v4.1: 182 of 1,613,692 alleles (0.011%); highest among the groups gnomAD compares: Non-Finnish European, 0.014%; no homozygotes.

Submissions (2):

Labcorp Genetics (formerly Invitae), Labcorp
Classification: Likely benign for Bardet-Biedl syndrome. Last evaluated: 2025-12-22. Review status: criteria provided, single submitter. Criteria: Invitae Variant Classification Sherloc (09022015). Collection method: clinical testing. Allele origin: germline.

PreventionGenetics, part of Exact Sciences
Classification: Likely benign for BBS1-related condition. Last evaluated: 2019-10-22. Review status: no assertion criteria provided. Collection method: clinical testing. Allele origin: germline. Not counted in ClinVar's aggregate classification.
Comment: This variant is classified as likely benign based on ACMG/AMP sequence variant interpretation guidelines (Richards et al. 2015 PMID: 25741868, with internal and published modifications).